The following is an entry in ClinVar:

ClinVar aggregate classification (germline): Likely pathogenic (1 of 4 stars; one submission).

Conditions:
Craniosynostosis and dental anomalies (CRSDA). Also called: KREIBORG-PAKISTANI SYNDROME. Identifiers: Orphanet 284149, MedGen C3280073, MONDO:0013615, OMIM 614188.

Submission:

First Genomix Gene Laboratory, Genetic Diagnostics Department
Classification: Likely pathogenic for Craniosynostosis and dental anomalies. Last evaluated: 2025-05-30. Review status: criteria provided, single submitter. Criteria: ACMG Guidelines, 2015. Collection method: clinical testing. Allele origin: germline. Inheritance: Autosomal recessive inheritance. Affected: no. Observed: 1 variant allele.

NM_001142784.3(IL11RA):c.1001del (p.Pro334fs)

Gene: IL11RA (interleukin 11 receptor subunit alpha; plus strand). Cytogenetic location: 9p13.3.
Variant type: Deletion.
Coding change: c.1001del on transcript NM_001142784.3 (MANE Select); coding-DNA position 1001, one base deleted (C; older notation c.1001delC).
Protein change: p.Pro334fs; shifts the reading frame from proline 334.
Molecular consequence: frameshift variant. On other transcripts: non-coding transcript variant (1).
Genome position (GRCh38, 1-based): chr9:34,660,322, C deleted; the last of 2 consecutive C bases (chr9:34,660,321-34,660,322); deleting either gives the same sequence. VCF-style (leftmost placement, unchanged base first): chr9-34660320-GC-G. GRCh37 (hg19) VCF-style: chr9-34660317-GC-G.
Other names: c.1001delC (NM_001142784.3); short protein forms P334fs.
Identifiers: ClinVar variation 4849423 (VCV004849423.1).